The following is an entry in ClinVar:

NM_018297.4(NGLY1):c.1260+7T>G

Gene: NGLY1 (N-glycanase 1; minus strand). Cytogenetic location: 3p24.2.
Variant type: single nucleotide variant.
Coding change: c.1260+7T>G on transcript NM_018297.4 (MANE Select); 7 bases into the intron after coding-DNA position 1260, T replaced by G.
Molecular consequence: intron variant.
Genome position (GRCh38, 1-based): chr3:25,733,865, A>C on the plus strand (T>G on the coding strand, the complement: NGLY1 is on the minus strand). VCF-style: chr3-25733865-A-C. GRCh37 (hg19) VCF-style: chr3-25775356-A-C.
Other names: p.?; c.1134+7T>G (NM_001145294.2); c.1260+7T>G (NM_001145295.2); c.1206+7T>G (NM_001145293.2).
Identifiers: ClinVar variation 198889 (VCV000198889.17), dbSNP rs6550987, ClinGen allele CA203661.

ClinVar aggregate classification (germline): Benign. Review status: criteria provided, multiple submitters, no conflicts (2 of 4 stars). 7 submissions from 7 submitters: Benign (7). Last evaluated 2026-02-04.

Conditions:
Congenital disorder of deglycosylation (CDDG). Identifiers: MedGen C3808991, MONDO:0031376.

Allele frequency attached by ClinVar (database versions not stated): 1000 Genomes Project 30x 0.79528; 1000 Genomes Project 0.80032; TOPMed 0.81486; gnomAD 0.81668 and 0.81836; ESP Exome Variant Server 0.82193; ExAC 0.84045; gnomAD exomes 0.84334.
gnomAD v4.1: 1,369,533 of 1,602,158 alleles (85%); highest among the groups gnomAD compares: East Asian, 93%; 586,993 homozygotes.

Submissions (7):

Labcorp Genetics (formerly Invitae), Labcorp
Classification: Benign for Congenital disorder of deglycosylation. Last evaluated: 2026-02-04. Review status: criteria provided, single submitter. Criteria: Invitae Variant Classification Sherloc (09022015). Collection method: clinical testing. Allele origin: germline.

Blueprint Genetics
Classification: Benign. Last evaluated: 2024-11-26. Review status: criteria provided, single submitter. Criteria: ACMG Guidelines, 2015. Collection method: clinical testing. Allele origin: germline.

Mayo Clinic Laboratories, Mayo Clinic
Classification: Benign. Last evaluated: 2021-11-29. Review status: criteria provided, single submitter. Criteria: ACMG Guidelines, 2015. Collection method: clinical testing. Allele origin: germline. Observed: 290 variant alleles.

Genome-Nilou Lab
Classification: Benign for Congenital disorder of deglycosylation 1. Last evaluated: 2021-09-05. Review status: criteria provided, single submitter. Criteria: ACMG Guidelines, 2015. Collection method: clinical testing. Allele origin: germline. Affected: no.

Eurofins Ntd Llc (ga)
Classification: Benign. Last evaluated: 2017-05-08. Review status: criteria provided, single submitter. Criteria: EGL Classification Definitions 2015. Collection method: clinical testing. Allele origin: germline. Observed: 9 variant alleles, 1 heterozygote, 8 homozygotes.

GeneDx
Classification: Benign. Last evaluated: 2015-08-05. Review status: criteria provided, single submitter. Criteria: GeneDx Variant Classification (06012015). Collection method: clinical testing. Allele origin: germline. Affected: yes.
Comment: This variant is considered likely benign or benign based on one or more of the following criteria: it is a conservative change, it occurs at a poorly conserved position in the protein, it is predicted to be benign by multiple in silico algorithms, and/or has population frequency not consistent with disease.

Breakthrough Genomics
Classification: Benign. Review status: criteria provided, single submitter. Criteria: ACMG Guidelines, 2015. Collection method: not provided. Allele origin: germline. Inheritance: Autosomal recessive inheritance. Affected: yes.